The following is an entry in ClinVar:

NM_030624.3(KLHL15):c.532G>C (p.Glu178Gln)

Genes: KLHL15 (kelch like family member 15; minus strand), LOC114022706 (Sharpr-MPRA regulatory region 13558; plus strand). Cytogenetic location: Xp22.11.
Variant type: single nucleotide variant.
Coding change: c.532G>C on transcript NM_030624.3 (MANE Select); coding-DNA position 532, G replaced by C.
Protein change: p.Glu178Gln; replaces glutamic acid 178 with glutamine.
Molecular consequence: missense variant.
Genome position (GRCh38, 1-based): chrX:24,006,162, C>G on the plus strand (G>C on the coding strand, the complement: KLHL15 is on the minus strand). VCF-style: chrX-24006162-C-G. GRCh37 (hg19) VCF-style: chrX-24024279-C-G.
Other names: short protein forms E178Q.
Identifiers: ClinVar variation 450757 (VCV000450757.2), dbSNP rs985055222, ClinGen allele CA412595867.

ClinVar aggregate classification (germline): Uncertain significance (1 of 4 stars; one submission).

Submission:

GeneDx
Classification: Uncertain significance. Last evaluated: 2017-07-18. Review status: criteria provided, single submitter. Criteria: GeneDx Variant Classification (06012015). Collection method: clinical testing. Allele origin: germline. Affected: yes.
Comment: A variant of uncertain significance has been identified in the KLHL15 gene. The E178Q variant has not been published as a pathogenic variant, nor has it been reported as a benign variant to our knowledge. The E178Q variant is not observed in large population cohorts (Lek et al., 2016; 1000 Genomes Consortium et al., 2015; Exome Variant Server). The E178Q variant is a semi-conservative amino acid substitution, which may impact secondary protein structure as these residues differ in some properties. This substitution occurs at a position that is conserved across species. In silico analysis is inconsistent in its predictions as to whether or not the variant is damaging to the protein structure/function. Based on the currently available information, it is unclear whether this variant is a pathogenic variant or a rare benign variant.